The following is an entry in ClinVar:

NM_032119.4(ADGRV1):c.11115A>T (p.Ser3705=)

Gene: ADGRV1 (adhesion G protein-coupled receptor V1; plus strand). Cytogenetic location: 5q14.3.
Variant type: single nucleotide variant.
Coding change: c.11115A>T on transcript NM_032119.4 (MANE Select); coding-DNA position 11115, A replaced by T.
Protein change: p.Ser3705=; no amino-acid change (serine 3705 retained).
Molecular consequence: synonymous variant. On other transcripts: non-coding transcript variant (1).
Genome position (GRCh38, 1-based): chr5:90,750,691, A>T. VCF-style: chr5-90750691-A-T. GRCh37 (hg19) VCF-style: chr5-90046508-A-T.
Identifiers: ClinVar variation 504583 (VCV000504583.21), dbSNP rs138029547, ClinGen allele CA3340897.

ClinVar aggregate classification (germline): Benign/Likely benign. Review status: criteria provided, multiple submitters, no conflicts (2 of 4 stars). 7 submissions from 7 submitters: Benign (2); Likely benign (5). Last evaluated 2026-01-28.

Conditions:
ADGRV1-related disorder. Also called: ADGRV1-related condition; ADGRV1-related disorders.
Usher syndrome type 2C. Also called: Usher syndrome, type 2B; USHER SYNDROME, TYPE IIC. Identifiers: Orphanet 231178, Orphanet 886, MedGen C2931213, MONDO:0011558, OMIM 605472.
Febrile seizures, familial, 4 (FEB4). Also called: CONVULSIONS, FAMILIAL FEBRILE, 4. Identifiers: MedGen C1858493, MONDO:0011443, OMIM 604352.

Allele frequency attached by ClinVar (database versions not stated): 1000 Genomes Project 30x 0.00109; 1000 Genomes Project 0.00120; TOPMed 0.00129; ESP Exome Variant Server 0.00168.
gnomAD v4.1: 346 of 1,611,202 alleles (0.021%); highest among the groups gnomAD compares: African/African-American, 0.41%; 1 homozygote.

Submissions (7):

Labcorp Genetics (formerly Invitae), Labcorp
Classification: Benign. Last evaluated: 2026-01-28. Review status: criteria provided, single submitter. Criteria: Invitae Variant Classification Sherloc (09022015). Collection method: clinical testing. Allele origin: germline.

Women's Health and Genetics/Laboratory Corporation of America, LabCorp
Classification: Likely benign. Last evaluated: 2026-01-16. Review status: criteria provided, single submitter. Criteria: LabCorp Variant Classification Summary - May 2015. Collection method: clinical testing. Allele origin: germline.

PreventionGenetics, part of Exact Sciences
Classification: Likely benign for ADGRV1-related condition. Last evaluated: 2024-11-17. Review status: criteria provided, single submitter. Criteria: ACMG Guidelines, 2015. Collection method: clinical testing. Allele origin: germline.
Comment: This variant is classified as likely benign based on ACMG/AMP sequence variant interpretation guidelines (Richards et al. 2015 PMID: 25741868, with internal and published modifications).

Blueprint Genetics
Classification: Likely benign. Last evaluated: 2024-03-08. Review status: criteria provided, single submitter. Criteria: ACMG Guidelines, 2015. Collection method: clinical testing. Allele origin: germline.

Fulgent Genetics
Classification: Likely benign for Febrile seizures, familial, 4; Usher syndrome type 2C. Last evaluated: 2022-05-13. Review status: criteria provided, single submitter. Criteria: ACMG Guidelines, 2015. Collection method: clinical testing. Allele origin: unknown.

GeneDx
Classification: Likely benign. Last evaluated: 2019-11-27. Review status: criteria provided, single submitter. Criteria: GeneDx Variant Classification Process June 2021. Collection method: clinical testing. Allele origin: germline. Affected: yes.

Laboratory for Molecular Medicine, Mass General Brigham Personalized Medicine
Classification: Benign. Last evaluated: 2016-08-24. Review status: criteria provided, single submitter. Criteria: LMM Criteria. Collection method: clinical testing. Allele origin: germline. Observed: 1 variant allele.
Comment: Ser3705Ser in Exon 53 of GPR98: This variant is not expected to have clinical si gnificance because it does not alter an amino acid residue, is not located withi n the splice consensus sequence, and has been identified in 0.5% (45/9796) of Af rican chromosomes by the Exome Aggregation Consortium (ExAC; dbSNP rs138029547).